The following is an entry in ClinVar:

NM_001372.4(DNAH9):c.3003C>A (p.Gly1001=)

Genes: DNAH9 (dynein axonemal heavy chain 9; plus strand), LOC126862505 (BRD4-independent group 4 enhancer GRCh37_chr17:11572478-11573677; plus strand). Cytogenetic location: 17p12.
Variant type: single nucleotide variant.
Coding change: c.3003C>A on transcript NM_001372.4 (MANE Select); coding-DNA position 3003, C replaced by A.
Protein change: p.Gly1001=; no amino-acid change (glycine 1001 retained).
Molecular consequence: synonymous variant.
Genome position (GRCh38, 1-based): chr17:11,669,444, C>A. VCF-style: chr17-11669444-C-A. GRCh37 (hg19) VCF-style: chr17-11572761-C-A.
Other names: c.3003C>A (NM_001372.3).
Identifiers: ClinVar variation 1597197 (VCV001597197.12), dbSNP rs61745408, ClinGen allele CA8395343.

ClinVar aggregate classification (germline): Benign/Likely benign. Review status: criteria provided, multiple submitters, no conflicts (2 of 4 stars). 4 submissions from 4 submitters: Benign (2); Likely benign (1). 1 of the submissions does not count toward it. Last evaluated 2026-01-24.

Conditions:
DNAH9-related disorder. Also called: DNAH9-related condition.

Allele frequency attached by ClinVar (database versions not stated): gnomAD exomes 0.00038 and 0.00110; ExAC 0.00135; 1000 Genomes Project 0.00359; 1000 Genomes Project 30x 0.00375; gnomAD 0.00401 and 0.00424; TOPMed 0.00437; ESP Exome Variant Server 0.00546.
gnomAD v4.1: 1,211 of 1,614,026 alleles (0.075%); highest among the groups gnomAD compares: African/African-American, 1.4%; 11 homozygotes.

Submissions (4):

Labcorp Genetics (formerly Invitae), Labcorp
Classification: Benign. Last evaluated: 2026-01-24. Review status: criteria provided, single submitter. Criteria: Invitae Variant Classification Sherloc (09022015). Collection method: clinical testing. Allele origin: germline.

Blueprint Genetics
Classification: Likely benign. Last evaluated: 2024-08-20. Review status: criteria provided, single submitter. Criteria: ACMG Guidelines, 2015. Collection method: clinical testing. Allele origin: germline.

Breakthrough Genomics
Classification: Benign. Review status: criteria provided, single submitter. Criteria: ACMG Guidelines, 2015. Collection method: not provided. Allele origin: germline. Inheritance: Autosomal recessive inheritance. Affected: yes.

PreventionGenetics, part of Exact Sciences
Classification: Benign for DNAH9-related condition. Last evaluated: 2019-08-21. Review status: no assertion criteria provided. Collection method: clinical testing. Allele origin: germline. Not counted in ClinVar's aggregate classification.
Comment: This variant is classified as benign based on ACMG/AMP sequence variant interpretation guidelines (Richards et al. 2015 PMID: 25741868, with internal and published modifications).